The following is an entry in ClinVar:

ClinVar aggregate classification (germline): Conflicting classifications of pathogenicity. Review status: criteria provided, conflicting classifications (1 of 4 stars). 3 submissions from 3 submitters: Uncertain significance (2); Likely benign (1). Last evaluated 2026-07-07.

Conditions:
Hereditary cancer-predisposing syndrome. Also called: Neoplastic Syndromes, Hereditary; Hereditary Cancer Syndrome; Tumor predisposition; Hereditary neoplastic syndrome. Identifiers: Orphanet 140162, MedGen C0027672, MeSH D009386, MONDO:0015356.

Submissions (3):

Ambry Genetics
Classification: Uncertain significance for Hereditary cancer-predisposing syndrome. Last evaluated: 2026-07-07. Review status: criteria provided, single submitter. Criteria: Ambry Variant Classification Scheme 2023. Collection method: clinical testing. Allele origin: germline.
Comment: The p.G2140D variant (also known as c.6419G>A), located in coding exon 10 of the BRCA2 gene, results from a G to A substitution at nucleotide position 6419. The glycine at codon 2140 is replaced by aspartic acid, an amino acid with similar properties. This amino acid position is conserved. In addition, this alteration is predicted to be tolerated by in silico analysis. Based on the available evidence, the clinical significance of this variant remains unclear.

University of Washington Department of Laboratory Medicine, University of Washington
Classification: Likely benign for Hereditary cancer-predisposing syndrome. Last evaluated: 2023-03-23. Review status: criteria provided, single submitter. Criteria: Dines et al. (Genet Med. 2020). Collection method: curation. Allele origin: germline.
Comment: Missense variant in a coldspot region where missense variants are very unlikely to be pathogenic (PMID:31911673).

BRCA2 exon 11 coldspot. Reclassification based on statistical prior probability.

Color Diagnostics, LLC DBA Color Health
Classification: Uncertain significance for Hereditary cancer-predisposing syndrome. Last evaluated: 2019-01-31. Review status: criteria provided, single submitter. Criteria: ACMG Guidelines, 2015. Collection method: clinical testing. Allele origin: germline.

NM_000059.4(BRCA2):c.6419G>A (p.Gly2140Asp)

Gene: BRCA2 (BRCA2 DNA repair associated; plus strand). Cytogenetic location: 13q13.1.
Variant type: single nucleotide variant.
Coding change: c.6419G>A on transcript NM_000059.4 (MANE Select); coding-DNA position 6419, G replaced by A.
Protein change: p.Gly2140Asp; replaces glycine 2140 with aspartic acid.
Molecular consequence: missense variant.
Genome position (GRCh38, 1-based): chr13:32,340,774, G>A. VCF-style: chr13-32340774-G-A. GRCh37 (hg19) VCF-style: chr13-32914911-G-A.
Other names: short protein forms G2140D.
Identifiers: ClinVar variation 919327 (VCV000919327.5), dbSNP rs876659898, ClinGen allele CA387789274.